The following is an entry in ClinVar:

ClinVar aggregate classification (germline): Uncertain significance (1 of 4 stars; one submission).

Conditions:
Early Myoclonic Encephalopathy. Identifiers: MedGen C0270855.

Submission:

Labcorp Genetics (formerly Invitae), Labcorp
Classification: Uncertain significance for Early Myoclonic Encephalopathy. Last evaluated: 2023-10-18. Review status: criteria provided, single submitter. Criteria: Invitae Variant Classification Sherloc (09022015). Collection method: clinical testing. Allele origin: germline.
Comment: This sequence change replaces isoleucine, which is neutral and non-polar, with lysine, which is basic and polar, at codon 1799 of the JMJD1C protein (p.Ile1799Lys). This variant is present in population databases (no rsID available, gnomAD 0.01%). This variant has not been reported in the literature in individuals affected with JMJD1C-related conditions. Advanced modeling of protein sequence and biophysical properties (such as structural, functional, and spatial information, amino acid conservation, physicochemical variation, residue mobility, and thermodynamic stability) performed at Invitae indicates that this missense variant is not expected to disrupt JMJD1C protein function. In summary, the available evidence is currently insufficient to determine the role of this variant in disease. Therefore, it has been classified as a Variant of Uncertain Significance.

NM_032776.3(JMJD1C):c.5396T>A (p.Ile1799Lys)

Gene: JMJD1C (jumonji domain containing 1C; minus strand). Cytogenetic location: 10q21.3.
Variant type: single nucleotide variant.
Coding change: c.5396T>A on transcript NM_032776.3 (MANE Select); coding-DNA position 5396, T replaced by A.
Protein change: p.Ile1799Lys; replaces isoleucine 1799 with lysine.
Molecular consequence: missense variant. On other transcripts: non-coding transcript variant (1).
Genome position (GRCh38, 1-based): chr10:63,198,608, A>T on the plus strand (T>A on the coding strand, the complement: JMJD1C is on the minus strand). VCF-style: chr10-63198608-A-T. GRCh37 (hg19) VCF-style: chr10-64958368-A-T.
Other names: c.4850T>A, p.Ile1617Lys (NM_001282948.2, NM_001318154.2); c.4532T>A, p.Ile1511Lys (NM_001318153.2); c.5282T>A, p.Ile1761Lys (NM_001322252.2); c.4739T>A, p.Ile1580Lys (NM_001322254.2, NM_001322258.2); short protein forms I1761K, I1617K, I1799K, I1511K, I1580K.
Identifiers: ClinVar variation 2769746 (VCV002769746.3), dbSNP rs367650429, ClinGen allele CA377031916.